The following is an entry in ClinVar:

ClinVar aggregate classification (germline): Uncertain significance (1 of 4 stars; one submission).

Allele frequency attached by ClinVar (database versions not stated): gnomAD 0.00001; gnomAD exomes 0.00002 and 0.00003; TOPMed 0.00003; ESP Exome Variant Server 0.00009.
gnomAD v4.1: 29 of 1,590,258 alleles (0.0018%); highest among the groups gnomAD compares: Admixed American, 0.0069%; no homozygotes.

Submission:

Labcorp Genetics (formerly Invitae), Labcorp
Classification: Uncertain significance. Last evaluated: 2022-09-06. Review status: criteria provided, single submitter. Criteria: Invitae Variant Classification Sherloc (09022015). Collection method: clinical testing. Allele origin: germline.
Comment: This sequence change replaces glycine, which is neutral and non-polar, with serine, which is neutral and polar, at codon 1175 of the COL18A1 protein (p.Gly1175Ser). This variant is present in population databases (rs369592585, gnomAD 0.01%). This variant has not been reported in the literature in individuals affected with COL18A1-related conditions. ClinVar contains an entry for this variant (Variation ID: 1025025). Experimental studies and prediction algorithms are not available or were not evaluated, and the functional significance of this variant is currently unknown. In summary, the available evidence is currently insufficient to determine the role of this variant in disease. Therefore, it has been classified as a Variant of Uncertain Significance.

NM_001379500.1(COL18A1):c.3532G>A (p.Gly1178Ser)

Genes: SLC19A1 (solute carrier family 19 member 1; minus strand), COL18A1 (collagen type XVIII alpha 1 chain; plus strand). Cytogenetic location: 21q22.3.
Variant type: single nucleotide variant.
Coding change: c.3532G>A on transcript NM_001379500.1 (MANE Select); coding-DNA position 3532, G replaced by A.
Protein change: p.Gly1178Ser; replaces glycine 1178 with serine.
Molecular consequence: missense variant.
Genome position (GRCh38, 1-based): chr21:45,510,100, G>A. VCF-style: chr21-45510100-G-A. GRCh37 (hg19) VCF-style: chr21-46930014-G-A.
Other names: c.4063G>A, p.Gly1355Ser (NM_030582.4); c.4768G>A, p.Gly1590Ser (NM_130444.3); short protein forms G1178S, G1355S, G1590S.
Identifiers: ClinVar variation 1025025 (VCV001025025.4), dbSNP rs369592585, ClinGen allele CA10067945.